The following is an entry in ClinVar:

NM_002439.5(MSH3):c.1425T>G (p.Phe475Leu)

Gene: MSH3 (mutS homolog 3; plus strand). Cytogenetic location: 5q14.1.
Variant type: single nucleotide variant.
Coding change: c.1425T>G on transcript NM_002439.5 (MANE Select); coding-DNA position 1425, T replaced by G.
Protein change: p.Phe475Leu; replaces phenylalanine 475 with leucine.
Molecular consequence: missense variant.
Genome position (GRCh38, 1-based): chr5:80,725,537, T>G. VCF-style: chr5-80725537-T-G. GRCh37 (hg19) VCF-style: chr5-80021356-T-G.
Other names: short protein forms F475L.
Identifiers: ClinVar variation 819169 (VCV000819169.15), dbSNP rs1222069239, ClinGen allele CA360273658.
Genomic context (GRCh38, chr5:80,725,537, plus strand): 5'-CGAAAGGATGGATAACATTTATTTTGAATACAGCCATGCTTTCCAGGCAGTTACAGAGTT[T>G]TATGCAAAAGATACAGTTGACATCAAAGGTAAATATTTTCCCTGTATGTCCTCAAGTTGA-3'
Protein context (NP_002430.3, residues 465-485): YSHAFQAVTE[Phe475Leu]YAKDTVDIKG

ClinVar aggregate classification (germline): Uncertain significance. Review status: criteria provided, multiple submitters, no conflicts (2 of 4 stars). 3 submissions from 3 submitters: Uncertain significance (3). Last evaluated 2025-12-06.

Conditions:
Hereditary cancer-predisposing syndrome. Also called: Tumor predisposition; Hereditary neoplastic syndrome; Neoplastic Syndromes, Hereditary; Hereditary Cancer Syndrome. Identifiers: Orphanet 140162, MedGen C0027672, MeSH D009386, MONDO:0015356.

Allele frequency attached by ClinVar (database versions not stated): gnomAD exomes below 0.00001.

Submissions (3):

Labcorp Genetics (formerly Invitae), Labcorp
Classification: Uncertain significance. Last evaluated: 2025-12-06. Review status: criteria provided, single submitter. Criteria: Invitae Variant Classification Sherloc (09022015). Collection method: clinical testing. Allele origin: germline.
Comment: This sequence change replaces phenylalanine, which is neutral and non-polar, with leucine, which is neutral and non-polar, at codon 475 of the MSH3 protein (p.Phe475Leu). This variant is present in population databases (no rsID available, gnomAD 0.0009%). This variant has not been reported in the literature in individuals affected with MSH3-related conditions. ClinVar contains an entry for this variant (Variation ID: 819169). An algorithm developed to predict the effect of missense changes on protein structure and function (PolyPhen-2) suggests that this variant is likely to be disruptive. RNA analysis performed to evaluate the impact of this missense change on mRNA splicing indicates it does not significantly alter splicing (internal data). In summary, the available evidence is currently insufficient to determine the role of this variant in disease. Therefore, it has been classified as a Variant of Uncertain Significance.

Center for Genomic Medicine, Rigshospitalet, Copenhagen University Hospital
Classification: Uncertain significance. Last evaluated: 2025-03-04. Review status: criteria provided, single submitter. Criteria: ACMG Guidelines, 2015. Collection method: clinical testing. Allele origin: germline.

Ambry Genetics
Classification: Uncertain significance for Hereditary cancer-predisposing syndrome. Last evaluated: 2023-12-22. Review status: criteria provided, single submitter. Criteria: Ambry Variant Classification Scheme 2023. Collection method: clinical testing. Allele origin: germline.
Comment: The p.F475L variant (also known as c.1425T>G), located in coding exon 9 of the MSH3 gene, results from a T to G substitution at nucleotide position 1425. The phenylalanine at codon 475 is replaced by leucine, an amino acid with highly similar properties. This amino acid position is highly conserved in available vertebrate species. In addition, the in silico prediction for this alteration is inconclusive. Since supporting evidence is limited at this time, the clinical significance of this alteration remains unclear.